The following is an entry in ClinVar:

NM_001111.5(ADAR):c.1211T>C (p.Val404Ala)

Gene: ADAR (adenosine deaminase RNA specific; minus strand). Cytogenetic location: 1q21.3.
Variant type: single nucleotide variant.
Coding change: c.1211T>C on transcript NM_001111.5 (MANE Select); coding-DNA position 1211, T replaced by C.
Protein change: p.Val404Ala; replaces valine 404 with alanine.
Molecular consequence: missense variant.
Genome position (GRCh38, 1-based): chr1:154,601,431, A>G on the plus strand (T>C on the coding strand, the complement: ADAR is on the minus strand). VCF-style: chr1-154601431-A-G. GRCh37 (hg19) VCF-style: chr1-154573907-A-G.
Other names: c.326T>C, p.Val109Ala (NM_001025107.3, NM_001193495.2, NM_001365046.1 and 3 more transcripts); c.1238T>C, p.Val413Ala (NM_001365045.1); c.1211T>C, p.Val404Ala (NM_015840.4, NM_015841.4); short protein forms V404A, V413A, V109A.
Identifiers: ClinVar variation 1367067 (VCV001367067.6), dbSNP rs2101639317, ClinGen allele CA342597124.
Genomic context (GRCh38, chr1:154,601,431, plus strand): 5'-TCTTGCCTGTTTTCTAACTTTATGACAGGTTCCTGCCCATTCTCCACTTTTTCTGTGGTT[A>G]CCATGTTATTTGAGGCATTTGATGTGGGTATATTACAGGTGAGGAACTCTGCGTTTCTTT-3'
Protein context (NP_001102.3, residues 394-414): IPTSNASNNM[Val404Ala]TTEKVENGQE

ClinVar aggregate classification (germline): Uncertain significance (1 of 4 stars; one submission).

Conditions:
Symmetrical dyschromatosis of extremities (DSH). Also called: Dyschromatosis symmetrica hereditaria; DYSCHROMATOSIS SYMMETRICA HEREDITARIA 1; RETICULATE ACROPIGMENTATION OF DOHI; SYMMETRIC DYSCHROMATOSIS OF THE EXTREMITIES. Identifiers: Orphanet 41, MedGen C0406775, MONDO:0007483, OMIM 127400.
Aicardi-Goutieres syndrome 6 (AGS6). Identifiers: Orphanet 51, MedGen C3539013, MONDO:0014007, OMIM 615010.

Allele frequency attached by ClinVar (database versions not stated): gnomAD exomes below 0.00001.
gnomAD v4.1: 1 of 1,614,186 alleles (0.000062%); highest among the groups gnomAD compares: Non-Finnish European, 0.000085%; no homozygotes.

Submission:

Labcorp Genetics (formerly Invitae), Labcorp
Classification: Uncertain significance for Aicardi-Goutieres syndrome 6; Symmetrical dyschromatosis of extremities. Last evaluated: 2022-12-18. Review status: criteria provided, single submitter. Criteria: Invitae Variant Classification Sherloc (09022015). Collection method: clinical testing. Allele origin: germline.
Comment: This sequence change replaces valine, which is neutral and non-polar, with alanine, which is neutral and non-polar, at codon 404 of the ADAR protein (p.Val404Ala). This variant is not present in population databases (gnomAD no frequency). This variant has not been reported in the literature in individuals affected with ADAR-related conditions. ClinVar contains an entry for this variant (Variation ID: 1367067). Advanced modeling of protein sequence and biophysical properties (such as structural, functional, and spatial information, amino acid conservation, physicochemical variation, residue mobility, and thermodynamic stability) performed at Invitae indicates that this missense variant is not expected to disrupt ADAR protein function. In summary, the available evidence is currently insufficient to determine the role of this variant in disease. Therefore, it has been classified as a Variant of Uncertain Significance.